The following is an entry in ClinVar:

NM_000238.4(KCNH2):c.1883G>C (p.Gly628Ala)

Gene: KCNH2 (potassium voltage-gated channel subfamily H member 2; minus strand). Cytogenetic location: 7q36.1.
Variant type: single nucleotide variant.
Coding change: c.1883G>C on transcript NM_000238.4 (MANE Select); coding-DNA position 1883, G replaced by C.
Protein change: p.Gly628Ala; replaces glycine 628 with alanine.
Molecular consequence: missense variant.
Genome position (GRCh38, 1-based): chr7:150,951,510, C>G on the plus strand (G>C on the coding strand, the complement: KCNH2 is on the minus strand). VCF-style: chr7-150951510-C-G. GRCh37 (hg19) VCF-style: chr7-150648598-C-G.
Other names: c.1883G>C (LRG_288t1); c.863G>C, p.Gly288Ala (NM_001204798.2, NM_172057.3); c.1595G>C, p.Gly532Ala (NM_001406753.1, NM_001406756.1); c.1706G>C, p.Gly569Ala (NM_001406755.1); c.1583G>C, p.Gly528Ala (NM_001406757.1); c.1883G>C, p.Gly628Ala (NM_172056.3); short protein forms G288A, G628A, G532A, G569A, G528A.
Identifiers: ClinVar variation 67311 (VCV000067311.3), dbSNP rs199472955, ClinGen allele CA005824.

ClinVar aggregate classification (germline): not provided (0 of 4 stars; one submission).

Conditions:
Familial long QT syndrome (RWS). Also called: Congenital long QT syndrome; Romano-Ward syndrome; VENTRICULAR FIBRILLATION WITH PROLONGED QT INTERVAL. Identifiers: Orphanet 768, MedGen C1141890, MONDO:0019171.

Submission:

Cardiovascular Biomedical Research Unit, Royal Brompton & Harefield NHS Foundation Trust
No classification provided. Condition: Familial long QT syndrome. Review status: no classification provided. Collection method: literature only. Allele origin: germline.
Comment: This variant has been reported as associated with Long QT syndrome in the following publications (PMID:19996378). This is a literature report, and does not necessarily reflect the clinical interpretation of the Imperial College / Royal Brompton Cardiovascular Genetics laboratory.

Literature cited by the submitters: PubMed 19996378; PubMed 22581653.